The following is an entry in ClinVar:

NM_001242896.3(DEPDC5):c.674T>G (p.Phe225Cys)

Gene: DEPDC5 (DEP domain containing 5, GATOR1 subcomplex subunit; plus strand). Cytogenetic location: 22q12.2.
Variant type: single nucleotide variant.
Coding change: c.674T>G on transcript NM_001242896.3 (MANE Select); coding-DNA position 674, T replaced by G.
Protein change: p.Phe225Cys; replaces phenylalanine 225 with cysteine.
Molecular consequence: missense variant. On other transcripts: non-coding transcript variant (5).
Genome position (GRCh38, 1-based): chr22:31,792,082, T>G. VCF-style: chr22-31792082-T-G. GRCh37 (hg19) VCF-style: chr22-32188068-T-G.
Other names: c.674T>G, p.Phe225Cys (NM_001007188.4, NM_001136029.4, NM_001242897.2 and 7 more transcripts); c.590T>G, p.Phe197Cys (NM_001369901.1, NM_001369902.1); short protein forms F197C, F225C.
Identifiers: ClinVar variation 2199557 (VCV002199557.4), dbSNP rs1041858237, ClinGen allele CA323346590.

ClinVar aggregate classification (germline): Uncertain significance (1 of 4 stars; one submission).

Conditions:
Familial focal epilepsy with variable foci (FPEVF). Identifiers: Orphanet 98820, MedGen C1858477, MONDO:0020310.

Allele frequency attached by ClinVar (database versions not stated): gnomAD 0.00001; TOPMed 0.00001.
gnomAD v4.1: 2 of 1,612,516 alleles (0.00012%); highest among the groups gnomAD compares: Non-Finnish European, 0.00017%; no homozygotes.

Submission:

Labcorp Genetics (formerly Invitae), Labcorp
Classification: Uncertain significance for Familial focal epilepsy with variable foci. Last evaluated: 2024-12-28. Review status: criteria provided, single submitter. Criteria: Invitae Variant Classification Sherloc (09022015). Collection method: clinical testing. Allele origin: germline.
Comment: This sequence change replaces phenylalanine, which is neutral and non-polar, with cysteine, which is neutral and slightly polar, at codon 225 of the DEPDC5 protein (p.Phe225Cys). This variant is not present in population databases (gnomAD no frequency). This variant has not been reported in the literature in individuals affected with DEPDC5-related conditions. ClinVar contains an entry for this variant (Variation ID: 2199557). Experimental studies and prediction algorithms are not available or were not evaluated, and the functional significance of this variant is currently unknown. In summary, the available evidence is currently insufficient to determine the role of this variant in disease. Therefore, it has been classified as a Variant of Uncertain Significance.